The following is an entry in ClinVar:

NM_017780.4(CHD7):c.3137A>G (p.Tyr1046Cys)

Gene: CHD7 (chromodomain helicase DNA binding protein 7; plus strand). Cytogenetic location: 8q12.2.
Variant type: single nucleotide variant.
Coding change: c.3137A>G on transcript NM_017780.4 (MANE Select); coding-DNA position 3137, A replaced by G.
Protein change: p.Tyr1046Cys; replaces tyrosine 1046 with cysteine.
Molecular consequence: missense variant. On other transcripts: intron variant (1).
Genome position (GRCh38, 1-based): chr8:60,822,682, A>G. VCF-style: chr8-60822682-A-G. GRCh37 (hg19) VCF-style: chr8-61735241-A-G.
Other names: c.1717-39547A>G (NM_001316690.1); short protein forms Y1046C.
Identifiers: ClinVar variation 4775922 (VCV004775922.1).

ClinVar aggregate classification (germline): Uncertain significance (1 of 4 stars; one submission).

Conditions:
CHARGE syndrome (CHARGE). Also called: Hittner Hirsch Kreh syndrome; CHARGE ASSOCIATION--COLOBOMA, HEART ANOMALY, CHOANAL ATRESIA, RETARDATION, GENITAL AND EAR ANOMALIES; Coloboma, heart anomaly, choanal atresia, retardation, genital and ear anomalies; CHARGE association; Hall-Hittner syndrome. Identifiers: Orphanet 138, MedGen C0265354, MONDO:0008965.

Submission:

Labcorp Genetics (formerly Invitae), Labcorp
Classification: Uncertain significance for CHARGE syndrome. Last evaluated: 2025-11-17. Review status: criteria provided, single submitter. Criteria: Invitae Variant Classification Sherloc (09022015). Collection method: clinical testing. Allele origin: germline.
Comment: This sequence change replaces tyrosine, which is neutral and polar, with cysteine, which is neutral and slightly polar, at codon 1046 of the CHD7 protein (p.Tyr1046Cys). This variant is not present in population databases (gnomAD no frequency). This variant has not been reported in the literature in individuals affected with CHD7-related conditions. Invitae Evidence Modeling of protein sequence and biophysical properties (such as structural, functional, and spatial information, amino acid conservation, physicochemical variation, residue mobility, and thermodynamic stability) indicates that this missense variant is expected to disrupt CHD7 protein function with a positive predictive value of 95%. In summary, the available evidence is currently insufficient to determine the role of this variant in disease. Therefore, it has been classified as a Variant of Uncertain Significance.